The following is an entry in ClinVar:

ClinVar aggregate classification (germline): Uncertain significance (1 of 4 stars; one submission).

Submission:

Dasa
Classification: Uncertain significance. Last evaluated: 2025-05-30. Review status: criteria provided, single submitter. Criteria: DASA Assertion Criteria. Collection method: clinical testing. Allele origin: germline.
Comment: NM_001378183.1(PIEZO2):c.2251A>T (p.Ile751Leu) is a missense variant that results in the substitution of isoleucine with leucine. This variant is absent from population databases. Computational prediction algorithms are consistent with a benign effect. The currently available literature and clinical evidence are not sufficient to establish a definitive association between this variant and the reported condition. Therefore, this variant is classified as a variant of uncertain significance.

NM_001378183.1(PIEZO2):c.2251A>T (p.Ile751Leu)

Gene: PIEZO2 (piezo type mechanosensitive ion channel component 2; minus strand). Cytogenetic location: 18p11.22.
Variant type: single nucleotide variant.
Coding change: c.2251A>T on transcript NM_001378183.1 (MANE Select); coding-DNA position 2251, A replaced by T.
Protein change: p.Ile751Leu; replaces isoleucine 751 with leucine.
Molecular consequence: missense variant.
Genome position (GRCh38, 1-based): chr18:10,787,103, T>A on the plus strand (A>T on the coding strand, the complement: PIEZO2 is on the minus strand). VCF-style: chr18-10787103-T-A. GRCh37 (hg19) VCF-style: chr18-10787101-T-A.
Other names: c.2251A>T, p.Ile751Leu (NM_001410871.1, NM_022068.4); short protein forms I751L.
Identifiers: ClinVar variation 4883512 (VCV004883512.2).